The following is an entry in ClinVar:

NM_000194.3(HPRT1):c.97G>A (p.Glu33Lys)

Gene: HPRT1 (hypoxanthine phosphoribosyltransferase 1; plus strand). Cytogenetic location: Xq26.2.
Variant type: single nucleotide variant.
Coding change: c.97G>A on transcript NM_000194.3 (MANE Select); coding-DNA position 97, G replaced by A.
Protein change: p.Glu33Lys; replaces glutamic acid 33 with lysine.
Molecular consequence: missense variant.
Genome position (GRCh38, 1-based): chrX:134,473,428, G>A. VCF-style: chrX-134473428-G-A. GRCh37 (hg19) VCF-style: chrX-133607458-G-A.
Other names: short protein forms E33K.
Identifiers: ClinVar variation 3757579 (VCV003757579.2).

ClinVar aggregate classification (germline): Uncertain significance (1 of 4 stars; one submission).

Conditions:
Lesch-Nyhan syndrome (LNS). Also called: HPRT DEFICIENCY, COMPLETE; Lesch-Nyhan Disease (LND). Identifiers: Orphanet 510, MedGen C0023374, MONDO:0010298, OMIM 300322.
Partial hypoxanthine-guanine phosphoribosyltransferase deficiency. Also called: HPRT DEFICIENCY, PARTIAL; HYPOXANTHINE GUANINE PHOSPHORIBOSYLTRANSFERASE 1 DEFICIENCY, PARTIAL; GOUT, HPRT-RELATED; Kelley-Seegmiller Syndrome; HPRT1 DEFICIENCY, PARTIAL. Identifiers: Orphanet 79233, MedGen C0268117, MONDO:0010299, OMIM 300323.

Submission:

Labcorp Genetics (formerly Invitae), Labcorp
Classification: Uncertain significance for Lesch-Nyhan syndrome; Partial hypoxanthine-guanine phosphoribosyltransferase deficiency. Last evaluated: 2024-08-07. Review status: criteria provided, single submitter. Criteria: Invitae Variant Classification Sherloc (09022015). Collection method: clinical testing. Allele origin: germline.
Comment: This sequence change replaces glutamic acid, which is acidic and polar, with lysine, which is basic and polar, at codon 33 of the HPRT1 protein (p.Glu33Lys). This variant is not present in population databases (gnomAD no frequency). This variant has not been reported in the literature in individuals affected with HPRT1-related conditions. An algorithm developed to predict the effect of missense changes on protein structure and function (PolyPhen-2) suggests that this variant is likely to be tolerated. In summary, the available evidence is currently insufficient to determine the role of this variant in disease. Therefore, it has been classified as a Variant of Uncertain Significance.